The following is an entry in ClinVar:

ClinVar aggregate classification (germline): Uncertain significance. Review status: criteria provided, multiple submitters, no conflicts (2 of 4 stars). 2 submissions from 2 submitters: Uncertain significance (2). Last evaluated 2026-07-31.

Conditions:
Amyloidosis, hereditary systemic 1 (AMYLD1). Also called: AMYLOID CARDIOMYOPATHY; Familial amyloid polyneuropathy; Transthyretin Amyloidosis; Isolated Cardiac Amyloidosis; Amyloid Cardiomyopathy, Transthyretin-related; Hereditary Transthyretin Amyloidosis. Identifiers: Orphanet 85447, Orphanet 85451, MedGen C2751492, MONDO:0971004, OMIM 105210.
Cardiovascular phenotype. Identifiers: MedGen CN230736.

Allele frequency attached by ClinVar (database versions not stated): gnomAD exomes below 0.00001.
gnomAD v4.1: 2 of 1,614,092 alleles (0.00012%); highest among the groups gnomAD compares: Non-Finnish European, 0.00017%; no homozygotes.

Submissions (2):

Ambry Genetics
Classification: Uncertain significance for Cardiovascular phenotype. Last evaluated: 2026-07-31. Review status: criteria provided, single submitter. Criteria: Ambry Variant Classification Scheme 2023. Collection method: clinical testing. Allele origin: germline.
Comment: The p.T116R variant (also known as c.347C>G), located in coding exon 4 of the TTR gene, results from a C to G substitution at nucleotide position 347. The threonine at codon 116 is replaced by arginine, an amino acid with similar properties. This variant was reported in individual(s) with features consistent with hereditary transthyretin-related amyloidosis (Jiang M et al. Amyloid, 2023 Jun;30:188-198). Functional studies suggest this variant may have some impact on thermodynamic and kinetic stability of the protein (Jiang M et al. Amyloid, 2023 Jun;30:188-198). This amino acid position is not well conserved in available vertebrate species. In addition, the in silico prediction for this alteration is inconclusive. Based on the available evidence, the clinical significance of this variant remains unclear.

Labcorp Genetics (formerly Invitae), Labcorp
Classification: Uncertain significance for Amyloidosis, hereditary systemic 1. Last evaluated: 2023-11-08. Review status: criteria provided, single submitter. Criteria: Invitae Variant Classification Sherloc (09022015). Collection method: clinical testing. Allele origin: germline.
Comment: This sequence change replaces threonine, which is neutral and polar, with arginine, which is basic and polar, at codon 116 of the TTR protein (p.Thr116Arg). This variant is not present in population databases (gnomAD no frequency). This variant has not been reported in the literature in individuals affected with TTR-related conditions. Advanced modeling of protein sequence and biophysical properties (such as structural, functional, and spatial information, amino acid conservation, physicochemical variation, residue mobility, and thermodynamic stability) has been performed at Invitae for this missense variant, however the output from this modeling did not meet the statistical confidence thresholds required to predict the impact of this variant on TTR protein function. In summary, the available evidence is currently insufficient to determine the role of this variant in disease. Therefore, it has been classified as a Variant of Uncertain Significance.

Literature cited by the submitters: PubMed 36350689 (cited by Ambry Genetics).

NM_000371.4(TTR):c.347C>G (p.Thr116Arg)

Gene: TTR (transthyretin; plus strand). Cytogenetic location: 18q12.1.
Variant type: single nucleotide variant.
Coding change: c.347C>G on transcript NM_000371.4 (MANE Select); coding-DNA position 347, C replaced by G.
Protein change: p.Thr116Arg; replaces threonine 116 with arginine.
Molecular consequence: missense variant.
Genome position (GRCh38, 1-based): chr18:31,598,578, C>G. VCF-style: chr18-31598578-C-G. GRCh37 (hg19) VCF-style: chr18-29178541-C-G.
Other names: short protein forms T116R.
Identifiers: ClinVar variation 2878745 (VCV002878745.4), dbSNP rs1803082, ClinGen allele CA402158141.
Genomic context (GRCh38, chr18:31,598,578, plus strand): 5'-CACGTTTTTCGGGCTCTGGTGGAAATGGATCTGTCTGTCTTCTCTCATAGGTGGTATTCA[C>G]AGCCAACGACTCCGGCCCCCGCCGCTACACCATTGCCGCCCTGCTGAGCCCCTACTCCTA-3'
Protein context (NP_000362.1, residues 106-126): PFHEHAEVVF[Thr116Arg]ANDSGPRRYT